The following is an entry in ClinVar:

NM_001289104.2(PRKCSH):c.939GGA[5] (p.Glu321_Glu325del)

Gene: PRKCSH (PRKCSH beta subunit of glucosidase II; plus strand). Cytogenetic location: 19p13.2.
Variant type: Microsatellite.
Coding change: c.939GGA[5] on transcript NM_001289104.2 (MANE Select); five copies in a row of the 3-base unit GGA starting at c.939; the reference has ten copies in a row; five copies, 15 bases deleted.
Protein change: p.Glu321_Glu325del.
Molecular consequence: inframe deletion.
Genome position (GRCh38, 1-based): chr19:11,447,543-11,447,557, GGAGGAGGAGGAGGA deleted; deleting any 15 consecutive bases within chr19:11,447,526-11,447,557 gives the same sequence; the position shown is the placement nearest the transcript's 3' end. VCF-style (leftmost placement, unchanged base first): chr19-11447525-AGAGGAGGAGGAGGAG-A. GRCh37 (hg19) VCF-style: chr19-11558340-AGAGGAGGAGGAGGAG-A.
Other names: c.939GGA[5], p.Glu321_Glu325del (NM_001001329.3, NM_001289102.2, NM_001289103.2 and 3 more transcripts).
Identifiers: ClinVar variation 2084739 (VCV002084739.4), dbSNP rs3217229, ClinGen allele CA9213082.

ClinVar aggregate classification (germline): Uncertain significance (1 of 4 stars; one submission).

Submission:

Labcorp Genetics (formerly Invitae), Labcorp
Classification: Uncertain significance. Last evaluated: 2025-01-13. Review status: criteria provided, single submitter. Criteria: Invitae Variant Classification Sherloc (09022015). Collection method: clinical testing. Allele origin: germline.
Comment: This variant, c.954_968del, results in the deletion of 5 amino acid(s) of the PRKCSH protein (p.Glu321_Glu325del), but otherwise preserves the integrity of the reading frame. This variant is not present in population databases (gnomAD no frequency). This variant has not been reported in the literature in individuals affected with PRKCSH-related conditions. Experimental studies and prediction algorithms are not available or were not evaluated, and the functional significance of this variant is currently unknown. In summary, the available evidence is currently insufficient to determine the role of this variant in disease. Therefore, it has been classified as a Variant of Uncertain Significance.